The following is an entry in ClinVar:

ClinVar aggregate classification (germline): Uncertain significance. Review status: criteria provided, multiple submitters, no conflicts (2 of 4 stars). 2 submissions from 2 submitters: Uncertain significance (2). Last evaluated 2023-06-20.

Allele frequency attached by ClinVar (database versions not stated): ExAC 0.00004; TOPMed 0.00012; ESP Exome Variant Server 0.00015; gnomAD 0.00015; gnomAD exomes 0.00022.
gnomAD v4.1: 341 of 1,614,104 alleles (0.021%); highest among the groups gnomAD compares: Non-Finnish European, 0.026%; no homozygotes.

Submissions (2):

Mayo Clinic Laboratories, Mayo Clinic
Classification: Uncertain significance. Last evaluated: 2023-06-20. Review status: criteria provided, single submitter. Criteria: ACMG Guidelines, 2015. Collection method: clinical testing. Allele origin: germline. Observed: 2 variant alleles.
Comment: PP3

Labcorp Genetics (formerly Invitae), Labcorp
Classification: Uncertain significance. Last evaluated: 2022-04-06. Review status: criteria provided, single submitter. Criteria: Invitae Variant Classification Sherloc (09022015). Collection method: clinical testing. Allele origin: germline.
Comment: This sequence change replaces arginine, which is basic and polar, with histidine, which is basic and polar, at codon 482 of the NUP85 protein (p.Arg482His). This variant is present in population databases (rs142787021, gnomAD 0.03%). This variant has not been reported in the literature in individuals affected with NUP85-related conditions. Algorithms developed to predict the effect of missense changes on protein structure and function are either unavailable or do not agree on the potential impact of this missense change (SIFT: "Tolerated"; PolyPhen-2: "Possibly Damaging"; Align-GVGD: "Class C0"). In summary, the available evidence is currently insufficient to determine the role of this variant in disease. Therefore, it has been classified as a Variant of Uncertain Significance.

NM_024844.5(NUP85):c.1445G>A (p.Arg482His)

Gene: NUP85 (nucleoporin 85; plus strand). Cytogenetic location: 17q25.1.
Variant type: single nucleotide variant.
Coding change: c.1445G>A on transcript NM_024844.5 (MANE Select); coding-DNA position 1445, G replaced by A.
Protein change: p.Arg482His; replaces arginine 482 with histidine.
Molecular consequence: missense variant.
Genome position (GRCh38, 1-based): chr17:75,232,899, G>A. VCF-style: chr17-75232899-G-A. GRCh37 (hg19) VCF-style: chr17-73228994-G-A.
Other names: p.Arg482His; c.1307G>A, p.Arg436His (NM_001303276.2); c.1310G>A, p.Arg437His (NM_001330472.2); short protein forms R437H, R436H, R482H.
Identifiers: ClinVar variation 2150443 (VCV002150443.2), dbSNP rs142787021, ClinGen allele CA8758863.